The following is an entry in ClinVar:

NM_000169.3(GLA):c.1024C>T (p.Arg342Ter)

Genes: GLA (galactosidase alpha; minus strand), RPL36A-HNRNPH2 (RPL36A-HNRNPH2 readthrough; plus strand). Cytogenetic location: Xq22.1.
Variant type: single nucleotide variant.
Coding change: c.1024C>T on transcript NM_000169.3 (MANE Select); coding-DNA position 1024, C replaced by T.
Protein change: p.Arg342Ter; replaces arginine 342 with a stop codon.
Molecular consequence: nonsense. On other transcripts: non-coding transcript variant (3), intron variant (2).
Genome position (GRCh38, 1-based): chrX:101,398,075, G>A on the plus strand (C>T on the coding strand, the complement: GLA is on the minus strand). VCF-style: chrX-101398075-G-A. GRCh37 (hg19) VCF-style: chrX-100653063-G-A.
Other names: NP_000160.1:p.Arg342*; c.1147C>T, p.Arg383Ter (NM_001406747.1); c.300+2618G>A (NM_001199973.2); c.177+6253G>A (NM_001199974.2); short protein forms R342*, R383*.
Identifiers: ClinVar variation 10743 (VCV000010743.39), dbSNP rs104894843, ClinGen allele CA021320.

ClinVar aggregate classification (germline): Pathogenic. Review status: criteria provided, multiple submitters, no conflicts (2 of 4 stars). 12 submissions from 12 submitters: Pathogenic (11). 1 of the submissions does not count toward it. Last evaluated 2026-09-08.

Conditions:
GLA-related disorder. Also called: GLA-related condition.
Fabry disease. Also called: Ceramide trihexosidosis; Fabry's disease; CERAMIDE TRIHEXOSIDASE DEFICIENCY; GLA DEFICIENCY; HEREDITARY DYSTOPIC LIPIDOSIS; ALPHA-GALACTOSIDASE A DEFICIENCY. Identifiers: Orphanet 324, MedGen C0002986, MONDO:0010526, OMIM 301500, HP:0001071. Disease mechanism: Fabry disease is due to inactivating mutations in the X-linked GLA gene resulting in deficiency of the enzyme Alpha Galactosidase-A., loss of function.

Submissions (12):

Genomenon, Inc
Classification: Pathogenic for Fabry disease. Last evaluated: 2026-09-08. Review status: criteria provided, single submitter. Criteria: Genomenon Sequence Variant Interpretation Standards - Updated. Collection method: curation. Allele origin: germline. Affected: yes.
Comment: GLA p.Arg342Ter (c.1024C>T) is a nonsense variant that introduces a premature stop codon at amino acid position 342 and is predicted to result in a truncated or absent protein product. This variant has been observed in at least one proband with clinical features consistent with Fabry disease (PMID:16595074;34222454;23980562;27334365;27560961;12952834;35338595;36873653). The variant was found to segregate with disease in at least one affected family (PMID:23980562;27334365;12952834;35338595;36873653). Functional or patient cell studies have been reported (PMID:20505683;16595074;34222454;23980562;27560961;12952834;35338595;36873653). It is absent or not present at a significant frequency in gnomAD. In conclusion, we classify GLA p.Arg342Ter (c.1024C>T) as a pathogenic variant.

Serv. Biochemistry and Molecular genetics, Hospital Clinic de Barcelona, Hospital Clínic de Barcelona
Classification: Pathogenic for Fabry disease. Last evaluated: 2026-05-21. Review status: criteria provided, single submitter. Criteria: ACMG Guidelines, 2015. Collection method: clinical testing. Allele origin: germline. Inheritance: X-linked inheritance. Affected: yes. Observed: 1 variant allele.
Comment: Classification reported in the manuscript using ACMG criteria/in silico tools: Pathogenic. Variant type: Nonsense; amino acid change: p.Arg342Ter. Criteria: PVS1, PM2, PS3, PS4,

Labcorp Genetics (formerly Invitae), Labcorp
Classification: Pathogenic for Fabry disease. Last evaluated: 2025-07-23. Review status: criteria provided, single submitter. Criteria: Invitae Variant Classification Sherloc (09022015). Collection method: clinical testing. Allele origin: germline.
Comment: This sequence change creates a premature translational stop signal (p.Arg342*) in the GLA gene. While this is not anticipated to result in nonsense mediated decay, it is expected to disrupt the last 88 amino acid(s) of the GLA protein. This variant is not present in population databases (gnomAD no frequency). This premature translational stop signal has been observed in individual(s) with Fabry disease (PMID: 8395937, 16595074, 19287194, 20505683, 23980562, 26297554). ClinVar contains an entry for this variant (Variation ID: 10743). Algorithms developed to predict the effect of variants on gene product structure and function are not available or were not evaluated for this variant. Experimental studies have shown that this premature translational stop signal affects GLA function (PMID: 20505683). Algorithms developed to predict the effect of sequence changes on RNA splicing suggest that this variant may disrupt the consensus splice site. For these reasons, this variant has been classified as Pathogenic.

GeneDx
Classification: Pathogenic. Last evaluated: 2025-05-08. Review status: criteria provided, single submitter. Criteria: GeneDx Variant Classification Process June 2021. Collection method: clinical testing. Allele origin: germline.
Comment: Nonsense variant predicted to result in protein truncation, as the last 8 amino acids are lost, and other loss-of-function variants have been reported downstream; Not observed at significant frequency in large population cohorts (gnomAD); This variant is associated with the following publications: (PMID: 28579207, 23980562, 19287194, 8395937, 16595074, 20505683, 11668641, 28723748, 27156739, 11076046, 26297554, 36873653, 35338595, 32843101, 39348817)

PreventionGenetics, part of Exact Sciences
Classification: Pathogenic for GLA-related condition. Last evaluated: 2023-01-31. Review status: criteria provided, single submitter. Criteria: ACMG Guidelines, 2015. Collection method: clinical testing. Allele origin: germline.
Comment: The GLA c.1024C>T variant is predicted to result in premature protein termination (p.Arg342*). This variant has been reported in multiple individuals with classic Fabry disease (Davies et al. 1993. PubMed ID: 8395937; Park et al. 2009. PubMed ID: 19287194; Rigoldi et al. 2013. PubMed ID: 23980562; Uribe et al. 2015. PubMed ID: 26297554; Lee et al. 2010. PubMed ID: 20505683). In patients with this variant the GLA activity in leukocytes was shown to be 0% of the normal GLA enzymatic activity (Uribe et al. 2015. PubMed ID: 26297554; Lee et al. 2010. PubMed ID: 20505683). This variant has not been reported in a large population database, indicating this variant is rare. Nonsense variants in GLA gene are expected to be pathogenic. Although this variant occurs in the last exon and may not result in nonsense mediated decay, other pathogenic variants were reported downstream of this variant. This variant is interpreted as pathogenic.

Blueprint Genetics
Classification: Pathogenic for GLA-related disorders. Last evaluated: 2021-08-09. Review status: criteria provided, single submitter. Criteria: ACMG Guidelines, 2015. Collection method: clinical testing. Allele origin: germline. Affected: yes. Observed: 1 variant allele.

Genome-Nilou Lab
Classification: Pathogenic for Fabry disease. Last evaluated: 2021-07-15. Review status: criteria provided, single submitter. Criteria: ACMG Guidelines, 2015. Collection method: clinical testing. Allele origin: germline. Affected: no.

Revvity Omics, Revvity
Classification: Pathogenic. Last evaluated: 2019-08-06. Review status: criteria provided, single submitter. Criteria: ACMG Guidelines, 2015. Collection method: clinical testing. Allele origin: germline.

Women's Health and Genetics/Laboratory Corporation of America, LabCorp
Classification: Pathogenic for Fabry disease. Last evaluated: 2019-05-13. Review status: criteria provided, single submitter. Criteria: LabCorp Variant Classification Summary - May 2015. Collection method: clinical testing. Allele origin: germline.
Comment: Variant summary: GLA c.1024C>T (p.Arg342X) results in a premature termination codon, predicted to cause a truncation of the encoded protein or absence of the protein due to nonsense mediated decay, which are commonly known mechanisms for disease. The variant was absent in 182951 control chromosomes (gnomAD). c.1024C>T has been reported in the literature in individuals affected with Fabry Disease (Davies_1993, Lee_2010, Uribe_2015, Rigoldi_2014). These data indicate that the variant is likely to be associated with disease. Patients carrying the variant of interest were found to have 0% GLA activity (Lee_2010, Uribe_2015). Two ClinVar submissions from clinical diagnostic laboratories (evaluation after 2014) cites the variant as pathogenic. Based on the evidence outlined above, the variant was classified as pathogenic.

HudsonAlpha Institute for Biotechnology
Classification: Pathogenic for Fabry disease. Last evaluated: 2018-12-10. Review status: criteria provided, single submitter. Criteria: ACMG Guidelines, 2015. Collection method: research. Allele origin: unknown. Observed: 1 variant allele. Study: AGHI_GT.

Eurofins Ntd Llc (ga)
Classification: Pathogenic. Last evaluated: 2018-06-28. Review status: criteria provided, single submitter. Criteria: EGL ClinVar v180209 classification definitions. Collection method: clinical testing. Allele origin: germline. Observed: 11 variant alleles, 5 heterozygotes, 6 hemizygotes.

OMIM
Classification: Pathogenic for FABRY DISEASE. Last evaluated: 1993-07-01. Review status: no assertion criteria provided. Collection method: literature only. Allele origin: germline. Not counted in ClinVar's aggregate classification.

Literature cited by the submitters: PubMed 16595074 (cited by Genomenon, Inc and Labcorp Genetics (formerly Invitae), Labcorp); PubMed 34222454 (cited by Genomenon, Inc); PubMed 23980562 (cited by 5 submitters); PubMed 27334365 (cited by Genomenon, Inc); PubMed 27560961 (cited by Genomenon, Inc); PubMed 12952834 (cited by Genomenon, Inc); PubMed 35338595 (cited by Genomenon, Inc); PubMed 36873653 (cited by Genomenon, Inc); PubMed 20505683 (cited by 4 submitters); PubMed 26297554 (cited by 4 submitters); PubMed 8395937 (cited by 5 submitters); PubMed 19287194 (cited by Labcorp Genetics (formerly Invitae), Labcorp).